The following is an entry in ClinVar:

NM_173076.3(ABCA12):c.2355dup (p.Lys786Ter)

Gene: ABCA12 (ATP binding cassette subfamily A member 12; minus strand). Cytogenetic location: 2q35.
Variant type: Duplication.
Coding change: c.2355dup on transcript NM_173076.3 (MANE Select); coding-DNA position 2355, one base duplicated (T; older notation c.2355dupT).
Protein change: p.Lys786Ter; replaces lysine 786 with a stop codon.
Molecular consequence: nonsense. On other transcripts: non-coding transcript variant (1).
Genome position (GRCh38, 1-based): chr2:215,010,448, A duplicated on the plus strand (T on the coding strand, the reverse complement: ABCA12 is on the minus strand). VCF-style (leftmost placement, unchanged base first): chr2-215010447-T-TA. GRCh37 (hg19) VCF-style: chr2-215875171-T-TA.
Other names: c.1401dup, p.Lys468Ter (NM_015657.4); short protein forms K786*, K468*.
Identifiers: ClinVar variation 2848956 (VCV002848956.3), dbSNP rs2469313073, ClinGen allele CA2739279442.

ClinVar aggregate classification (germline): Pathogenic (1 of 4 stars; one submission).

Submission:

Labcorp Genetics (formerly Invitae), Labcorp
Classification: Pathogenic. Last evaluated: 2023-03-23. Review status: criteria provided, single submitter. Criteria: Invitae Variant Classification Sherloc (09022015). Collection method: clinical testing. Allele origin: germline.
Comment: This sequence change creates a premature translational stop signal (p.Lys786*) in the ABCA12 gene. It is expected to result in an absent or disrupted protein product. Loss-of-function variants in ABCA12 are known to be pathogenic (PMID: 20672373). This variant is not present in population databases (gnomAD no frequency). This variant has not been reported in the literature in individuals affected with ABCA12-related conditions. For these reasons, this variant has been classified as Pathogenic.

Literature cited by the submitters: PubMed 20672373.